The following is an entry in ClinVar:

NM_001271.4(CHD2):c.4593-19T>C

Gene: CHD2 (chromodomain helicase DNA binding protein 2; plus strand). Cytogenetic location: 15q26.1.
Variant type: single nucleotide variant.
Coding change: c.4593-19T>C on transcript NM_001271.4 (MANE Select); 19 bases into the intron before coding-DNA position 4593, T replaced by C.
Molecular consequence: intron variant.
Genome position (GRCh38, 1-based): chr15:93,012,326, T>C. VCF-style: chr15-93012326-T-C. GRCh37 (hg19) VCF-style: chr15-93555556-T-C.
Identifiers: ClinVar variation 509167 (VCV000509167.10), dbSNP rs377557426, ClinGen allele CA7748520.

ClinVar aggregate classification (germline): Likely benign. Review status: criteria provided, multiple submitters, no conflicts (2 of 4 stars). 3 submissions from 3 submitters: Likely benign (3). Last evaluated 2025-10-24.

Conditions:
Developmental and epileptic encephalopathy 94 (DEE94). Also called: Epileptic encephalopathy, childhood-onset; CHD2-Related Neurodevelopmental Disorders. Identifiers: Orphanet 1942, Orphanet 2382, MedGen C3809278, MONDO:0014150, OMIM 615369.

Allele frequency attached by ClinVar (database versions not stated): gnomAD 0.00013 and 0.00016; TOPMed 0.00013; gnomAD exomes 0.00014 and 0.00035; ESP Exome Variant Server 0.00015; ExAC 0.00010.
gnomAD v4.1: 525 of 1,543,456 alleles (0.034%); highest among the groups gnomAD compares: South Asian, 0.042%; no homozygotes.

Submissions (3):

Labcorp Genetics (formerly Invitae), Labcorp
Classification: Likely benign for Developmental and epileptic encephalopathy 94. Last evaluated: 2025-10-24. Review status: criteria provided, single submitter. Criteria: Invitae Variant Classification Sherloc (09022015). Collection method: clinical testing. Allele origin: germline.

Blueprint Genetics
Classification: Likely benign. Last evaluated: 2024-09-05. Review status: criteria provided, single submitter. Criteria: ACMG Guidelines, 2015. Collection method: clinical testing. Allele origin: germline.

GeneDx
Classification: Likely benign. Last evaluated: 2017-12-14. Review status: criteria provided, single submitter. Criteria: GeneDx Variant Classification (06012015). Collection method: clinical testing. Allele origin: germline. Affected: yes.
Comment: This variant is considered likely benign or benign based on one or more of the following criteria: it is a conservative change, it occurs at a poorly conserved position in the protein, it is predicted to be benign by multiple in silico algorithms, and/or has population frequency not consistent with disease.